The following is an entry in ClinVar:

NM_000059.4(BRCA2):c.8331+2724A>C

Gene: BRCA2 (BRCA2 DNA repair associated; plus strand). Cytogenetic location: 13q13.1.
Variant type: single nucleotide variant.
Coding change: c.8331+2724A>C on transcript NM_000059.4 (MANE Select); 2724 bases into the intron after coding-DNA position 8331, A replaced by C.
Molecular consequence: intron variant.
Genome position (GRCh38, 1-based): chr13:32,366,257, A>C. VCF-style: chr13-32366257-A-C. GRCh37 (hg19) VCF-style: chr13-32940394-A-C.
Other names: IVS 18+2724A>C.
Identifiers: ClinVar variation 209790 (VCV000209790.1), dbSNP rs11571730, ClinGen allele CA276758.

ClinVar aggregate classification (germline): Benign (3 of 4 stars; one submission).

Conditions:
Breast-ovarian cancer, familial, susceptibility to, 2 (BROVCA2). Also called: BRCA2 Hereditary Breast and Ovarian Cancer. Identifiers: Orphanet 145, MedGen C2675520, MONDO:0012933, OMIM 612555. Disease mechanism: loss of function.

Allele frequency attached by ClinVar (database versions not stated): gnomAD 0.01084; TOPMed 0.01169; 1000 Genomes Project 0.00819; 1000 Genomes Project 30x 0.00968.
gnomAD v4.1: 1,529 of 152,308 alleles (1%); highest among the groups gnomAD compares: African/African-American, 3.2%; 27 homozygotes.

Submission:

Evidence-based Network for the Interpretation of Germline Mutant Alleles (ENIGMA)
Classification: Benign for Breast-ovarian cancer, familial 2. Last evaluated: 2015-01-12. Review status: reviewed by expert panel. Criteria: ENIGMA BRCA1/2 Classification Criteria (2015). Collection method: curation. Allele origin: germline.
Comment: Class 1 not pathogenic based on frequency >1% in an outbred sampleset. Frequency 0.02642 (African), derived from 1000 genomes (2012-04-30).